The following is an entry in ClinVar:

ClinVar aggregate classification (germline): Uncertain significance (1 of 4 stars; one submission).

Conditions:
Familial cancer of breast. Also called: Hereditary breast cancer; hereditary breast carcinoma; BREAST CANCER, FAMILIAL. Identifiers: Orphanet 227535, MedGen C0346153, MONDO:0016419, OMIM 114480. Disease mechanism: loss of function.

Allele frequency attached by ClinVar (database versions not stated): gnomAD 0.00001; TOPMed 0.00001; ESP Exome Variant Server 0.00008.
gnomAD v4.1: 10 of 1,539,420 alleles (0.00065%); highest among the groups gnomAD compares: Non-Finnish European, 0.00088%; no homozygotes.

Submission:

Centre for Mendelian Genomics, University Medical Centre Ljubljana
Classification: Uncertain significance for Familial cancer of breast. Last evaluated: 2019-03-20. Review status: criteria provided, single submitter. Criteria: ACMG Guidelines, 2015. Collection method: clinical testing. Allele origin: unknown. Affected: yes.
Comment: This variant was classified as: Uncertain significance. The available evidence on this variant's pathogenicity is insufficient or conflicting. The following ACMG criteria were applied in classifying this variant: PVS1,PM2.

NM_001142556.2(HMMR):c.904+1G>T

Gene: HMMR (hyaluronan mediated motility receptor; plus strand). Cytogenetic location: 5q34.
Variant type: single nucleotide variant.
Coding change: c.904+1G>T on transcript NM_001142556.2 (MANE Select); the canonical splice donor site of the intron after coding-DNA position 904, G replaced by T.
Molecular consequence: splice donor variant.
Genome position (GRCh38, 1-based): chr5:163,473,558, G>T. VCF-style: chr5-163473558-G-T. GRCh37 (hg19) VCF-style: chr5-162900564-G-T.
Other names: c.901+1G>T (NM_012484.3); c.856+1G>T (NM_012485.3); c.643+1G>T (NM_001142557.2).
Identifiers: ClinVar variation 931105 (VCV000931105.4), dbSNP rs374532508, ClinGen allele CA130890339.